The following is an entry in ClinVar:

ClinVar aggregate classification (germline): Uncertain significance (1 of 4 stars; one submission).

gnomAD v4.1: 1 of 1,605,866 alleles (0.000062%); highest among the groups gnomAD compares: Non-Finnish European, 0.000085%; no homozygotes.

Submission:

Ambry Genetics
Classification: Uncertain significance. Last evaluated: 2025-04-09. Review status: criteria provided, single submitter. Criteria: Ambry Variant Classification Scheme 2023. Collection method: clinical testing. Allele origin: germline.
Comment: The p.A61V variant (also known as c.182C>T), located in coding exon 2 of the RAD51B gene, results from a C to T substitution at nucleotide position 182. The alanine at codon 61 is replaced by valine, an amino acid with similar properties. This amino acid position is highly conserved in available vertebrate species. In addition, this alteration is predicted to be tolerated by in silico analysis. The evidence for this gene-disease relationship is limited; therefore, the clinical significance of this alteration is unclear.

NM_133510.4(RAD51B):c.182C>T (p.Ala61Val)

Gene: RAD51B (RAD51 paralog B; plus strand). Cytogenetic location: 14q24.1.
Variant type: single nucleotide variant.
Coding change: c.182C>T on transcript NM_133510.4 (MANE Select); coding-DNA position 182, C replaced by T.
Protein change: p.Ala61Val; replaces alanine 61 with valine.
Molecular consequence: missense variant. On other transcripts: 5 prime UTR variant (1).
Genome position (GRCh38, 1-based): chr14:67,825,561, C>T. VCF-style: chr14-67825561-C-T. GRCh37 (hg19) VCF-style: chr14-68292278-C-T.
Other names: c.182C>T, p.Ala61Val (NM_001321809.2, NM_001321810.2, NM_001321812.1 and 6 more transcripts); c.68C>T, p.Ala23Val (NM_001321815.1); c.-274C>T (NM_001321817.2); short protein forms A23V, A61V.
Identifiers: ClinVar variation 3942277 (VCV003942277.1).